The following is an entry in ClinVar:

ClinVar aggregate classification (germline): Pathogenic (1 of 4 stars; one submission).

Submission:

ISCA site 17
Classification: Pathogenic. Last evaluated: 2011-08-12. Review status: criteria provided, single submitter. Criteria: Kaminsky et al. (Genet Med. 2011). Collection method: clinical testing. Allele origin: unknown. Affected: yes. Observed: 1 variant allele.
Comment: Copy number variation identified through the course of routine clinical cytogenomic testing in postnatal populations. Clinical assertions have been curated as described in Kaminsky et al. 2011.

GRCh38/hg38 Xp22.33-22.2(chrX:2777300-10034145)x1

Genes: ANOS1 (anosmin 1; minus strand), ARSD (arylsulfatase D; minus strand), ARSD-AS1 (ARSD antisense RNA 1; plus strand), ARSF (arylsulfatase F; plus strand), ARSH (arylsulfatase family member H; plus strand) and 108 more. Cytogenetic location: Xp22.33-22.2.
Variant type: copy number loss.
Change: copy number 1 of chrX:2,777,300-10,034,145 (7.26 Mb, GRCh38 coordinates, 1-based), cytogenetic band Xp22.33-22.2.
Identifiers: ClinVar variation 59203 (VCV000059203.1).